The following is an entry in ClinVar:

ClinVar aggregate classification (germline): Uncertain significance (1 of 4 stars; one submission).

Submission:

Labcorp Genetics (formerly Invitae), Labcorp
Classification: Uncertain significance. Last evaluated: 2022-06-14. Review status: criteria provided, single submitter. Criteria: Invitae Variant Classification Sherloc (09022015). Collection method: clinical testing. Allele origin: germline.
Comment: In summary, the available evidence is currently insufficient to determine the role of this variant in disease. Therefore, it has been classified as a Variant of Uncertain Significance. Algorithms developed to predict the effect of sequence changes on RNA splicing suggest that this variant may disrupt the consensus splice site. This variant has not been reported in the literature in individuals affected with COL9A1-related conditions. This variant is not present in population databases (gnomAD no frequency). This sequence change falls in intron 19 of the COL9A1 gene. It does not directly change the encoded amino acid sequence of the COL9A1 protein.

NM_001851.6(COL9A1):c.1396-19_1396-15del

Gene: COL9A1 (collagen type IX alpha 1 chain; minus strand). Cytogenetic location: 6q13.
Variant type: Deletion.
Coding change: c.1396-19_1396-15del on transcript NM_001851.6 (MANE Select); 19 bases into the intron before coding-DNA position 1396 through 15 bases into the intron before coding-DNA position 1396, 5 bases deleted (CTCTT; older notation c.1396-19_1396-15delCTCTT).
Molecular consequence: intron variant.
Genome position (GRCh38, 1-based): chr6:70,260,725-70,260,729, AAGAG deleted on the plus strand (CTCTT on the coding strand, the reverse complement: COL9A1 is on the minus strand); deleting any 5 consecutive bases within chr6:70,260,725-70,260,732 gives the same sequence; the c. name uses the placement nearest the transcript's 3' end. VCF-style (leftmost placement, unchanged base first): chr6-70260724-AAAGAG-A. GRCh37 (hg19) VCF-style: chr6-70970427-AAAGAG-A.
Other names: c.667-19_667-15del (NM_001377290.1, NM_078485.4, NM_001377289.1).
Identifiers: ClinVar variation 2006027 (VCV002006027.4), dbSNP rs2483346327, ClinGen allele CA2580075701.